The following is an entry in ClinVar:

ClinVar aggregate classification (germline): Uncertain significance. Review status: criteria provided, multiple submitters, no conflicts (2 of 4 stars). 2 submissions from 2 submitters: Uncertain significance (2). Last evaluated 2026-05-19.

Conditions:
CACNB2-related disorder. Also called: CACNB2-related condition.
Cardiovascular phenotype. Identifiers: MedGen CN230736.

gnomAD v4.1: 7 of 1,613,970 alleles (0.00043%); highest among the groups gnomAD compares: Non-Finnish European, 0.00059%; no homozygotes.

Submissions (2):

PreventionGenetics, part of Exact Sciences
Classification: Uncertain significance for CACNB2-related condition. Last evaluated: 2026-05-19. Review status: criteria provided, single submitter. Criteria: ACMG Guidelines, 2015. Collection method: clinical testing. Allele origin: germline.
Comment: The CACNB2 c.572C>T variant is predicted to result in the amino acid substitution p.Ser191Phe. To our knowledge, this variant has not been reported in the literature or in a large population database (gnomAD), indicating this variant is rare. At this time, the clinical significance of this variant is uncertain due to the absence of conclusive functional and genetic evidence.

Ambry Genetics
Classification: Uncertain significance for Cardiovascular phenotype. Last evaluated: 2025-11-15. Review status: criteria provided, single submitter. Criteria: Ambry Variant Classification Scheme 2023. Collection method: clinical testing. Allele origin: germline.
Comment: The p.S191F variant (also known as c.572C>T), located in coding exon 6 of the CACNB2 gene, results from a C to T substitution at nucleotide position 572. The serine at codon 191 is replaced by phenylalanine, an amino acid with highly dissimilar properties. This amino acid position is conserved. In addition, this alteration is predicted to be deleterious by in silico analysis. Based on the available evidence, the clinical significance of this variant remains unclear.

NM_201596.3(CACNB2):c.734C>T (p.Ser245Phe)

Gene: CACNB2 (calcium voltage-gated channel auxiliary subunit beta 2; plus strand). Cytogenetic location: 10p12.31.
Variant type: single nucleotide variant.
Coding change: c.734C>T on transcript NM_201596.3 (MANE Select); coding-DNA position 734, C replaced by T.
Protein change: p.Ser245Phe; replaces serine 245 with phenylalanine.
Molecular consequence: missense variant. On other transcripts: intron variant (6).
Genome position (GRCh38, 1-based): chr10:18,514,299, C>T. VCF-style: chr10-18514299-C-T. GRCh37 (hg19) VCF-style: chr10-18803228-C-T.
Other names: c.569C>T, p.Ser190Phe (NM_000724.4); c.590C>T, p.Ser197Phe (NM_201570.3); c.650C>T, p.Ser217Phe (NM_201571.4); c.572C>T, p.Ser191Phe (NM_201590.3); c.587-212C>T (NM_001167945.2); c.587-681C>T (NM_201572.4); c.671-212C>T (NM_201593.3); c.671-681C>T (NM_201597.3); and 2 more; short protein forms S245F, S191F, S197F, S217F, S190F.
Identifiers: ClinVar variation 4613786 (VCV004613786.2).